The following is an entry in ClinVar:

ClinVar aggregate classification (germline): Uncertain significance. Review status: criteria provided, multiple submitters, no conflicts (2 of 4 stars). 2 submissions from 2 submitters: Uncertain significance (2). Last evaluated 2022-08-01.

Conditions:
Meckel-Gruber syndrome. Also called: Dysencephalia splachnocystica; DYSENCEPHALIA SPLANCHNOCYSTICA; GRUBER SYNDROME. Identifiers: Orphanet 564, MedGen C0265215, MONDO:0018921.
Joubert syndrome. Also called: JOUBERT-BOLTSHAUSER SYNDROME; Familial aplasia of the vermis. Identifiers: Orphanet 475, MedGen C5979921, MONDO:0018772.

Allele frequency attached by ClinVar (database versions not stated): gnomAD exomes below 0.00001; gnomAD 0.00001; TOPMed 0.00002.
gnomAD v4.1: 4 of 1,611,406 alleles (0.00025%); highest among the groups gnomAD compares: African/African-American, 0.0053%; no homozygotes.

Submissions (2):

Labcorp Genetics (formerly Invitae), Labcorp
Classification: Uncertain significance for Joubert syndrome; Meckel-Gruber syndrome. Last evaluated: 2022-08-01. Review status: criteria provided, single submitter. Criteria: Invitae Variant Classification Sherloc (09022015). Collection method: clinical testing. Allele origin: germline.
Comment: This sequence change replaces glutamic acid, which is acidic and polar, with alanine, which is neutral and non-polar, at codon 340 of the CC2D2A protein (p.Glu340Ala). This variant is present in population databases (no rsID available, gnomAD 0.007%). This variant has not been reported in the literature in individuals affected with CC2D2A-related conditions. ClinVar contains an entry for this variant (Variation ID: 498021). Algorithms developed to predict the effect of missense changes on protein structure and function (SIFT, PolyPhen-2, Align-GVGD) all suggest that this variant is likely to be tolerated. In summary, the available evidence is currently insufficient to determine the role of this variant in disease. Therefore, it has been classified as a Variant of Uncertain Significance.

Eurofins Ntd Llc (ga)
Classification: Uncertain significance. Last evaluated: 2016-10-17. Review status: criteria provided, single submitter. Criteria: EGL Classification Definitions 2015. Collection method: clinical testing. Allele origin: germline. Observed: 1 variant allele, 1 heterozygote.

NM_001378615.1(CC2D2A):c.1019A>C (p.Glu340Ala)

Genes: CC2D2A (coiled-coil and C2 domain containing 2A; plus strand), FBXL5 (F-box and leucine rich repeat protein 5; minus strand). Cytogenetic location: 4p15.32.
Variant type: single nucleotide variant.
Coding change: c.1019A>C on transcript NM_001378615.1 (MANE Select); coding-DNA position 1019, A replaced by C.
Protein change: p.Glu340Ala; replaces glutamic acid 340 with alanine.
Molecular consequence: missense variant.
Genome position (GRCh38, 1-based): chr4:15,516,626, A>C. VCF-style: chr4-15516626-A-C. GRCh37 (hg19) VCF-style: chr4-15518249-A-C.
Other names: c.1019A>C, p.Glu340Ala (NM_001080522.2); c.872A>C, p.Glu291Ala (NM_001378617.1); short protein forms E340A, E291A.
Identifiers: ClinVar variation 498021 (VCV000498021.7), dbSNP rs1450279703, ClinGen allele CA356409807.